The following is an entry in ClinVar:

NM_004798.4(KIF3B):c.709C>T (p.Arg237Cys)

Gene: KIF3B (kinesin family member 3B; plus strand). Cytogenetic location: 20q11.21.
Variant type: single nucleotide variant.
Coding change: c.709C>T on transcript NM_004798.4 (MANE Select); coding-DNA position 709, C replaced by T.
Protein change: p.Arg237Cys; replaces arginine 237 with cysteine.
Molecular consequence: missense variant.
Genome position (GRCh38, 1-based): chr20:32,310,486, C>T. VCF-style: chr20-32310486-C-T. GRCh37 (hg19) VCF-style: chr20-30898289-C-T.
Other names: short protein forms R237C.
Identifiers: ClinVar variation 5006368 (VCV005006368.2).

ClinVar aggregate classification (germline): Uncertain significance (1 of 4 stars; one submission).

Conditions:
Retinitis pigmentosa 89. Identifiers: MedGen C5394552, MONDO:0030071, OMIM 618955.

gnomAD v4.1: 7 of 1,613,714 alleles (0.00043%); highest among the groups gnomAD compares: Admixed American, 0.0017%; no homozygotes.

Submission:

Juno Genomics, Hangzhou Juno Genomics, Inc
Classification: Uncertain significance for Retinitis pigmentosa 89. Review status: criteria provided, single submitter. Criteria: ACMG Guidelines, 2015. Collection method: clinical testing. Allele origin: germline.
Comment: Absent from controls (or at extremely low frequency if recessive) in Genome Aggregation Database.;Multiple lines of computational evidence support a deleterious effect on the gene or gene product.